The following is an entry in ClinVar:

ClinVar aggregate classification (germline): Uncertain significance (1 of 4 stars; one submission).

Conditions:
Fanconi anemia complementation group J. Also called: BRIP1-Related Fanconi Anemia. Identifiers: Orphanet 84, MedGen C1836860, MONDO:0012187, OMIM 609054.
Familial cancer of breast. Also called: BREAST CANCER, FAMILIAL; Hereditary breast cancer; hereditary breast carcinoma. Identifiers: Orphanet 227535, MedGen C0346153, MONDO:0016419, OMIM 114480. Disease mechanism: loss of function.

gnomAD v4.1: 1 of 1,606,392 alleles (0.000062%); highest among the groups gnomAD compares: Non-Finnish European, 0.000085%; no homozygotes.

Submission:

Labcorp Genetics (formerly Invitae), Labcorp
Classification: Uncertain significance for Familial cancer of breast; Fanconi anemia complementation group J. Last evaluated: 2024-05-08. Review status: criteria provided, single submitter. Criteria: Invitae Variant Classification Sherloc (09022015). Collection method: clinical testing. Allele origin: germline.
Comment: This sequence change replaces histidine, which is basic and polar, with arginine, which is basic and polar, at codon 803 of the BRIP1 protein (p.His803Arg). This variant is not present in population databases (gnomAD no frequency). This variant has not been reported in the literature in individuals affected with BRIP1-related conditions. Advanced modeling of protein sequence and biophysical properties (such as structural, functional, and spatial information, amino acid conservation, physicochemical variation, residue mobility, and thermodynamic stability) performed at Invitae indicates that this missense variant is not expected to disrupt BRIP1 protein function with a negative predictive value of 80%. In summary, the available evidence is currently insufficient to determine the role of this variant in disease. Therefore, it has been classified as a Variant of Uncertain Significance.

NM_032043.3(BRIP1):c.2408A>G (p.His803Arg)

Gene: BRIP1 (BRCA1 interacting DNA helicase 1; minus strand). Cytogenetic location: 17q23.2.
Variant type: single nucleotide variant.
Coding change: c.2408A>G on transcript NM_032043.3 (MANE Select); coding-DNA position 2408, A replaced by G.
Protein change: p.His803Arg; replaces histidine 803 with arginine.
Molecular consequence: missense variant.
Genome position (GRCh38, 1-based): chr17:61,716,035, T>C on the plus strand (A>G on the coding strand, the complement: BRIP1 is on the minus strand). VCF-style: chr17-61716035-T-C. GRCh37 (hg19) VCF-style: chr17-59793396-T-C.
Other names: short protein forms H803R.
Identifiers: ClinVar variation 3756247 (VCV003756247.2).